The following is an entry in ClinVar:

NM_198490.3(RAB43):c.387C>T (p.Ile129=)

Genes: ISY1-RAB43 (ISY1-RAB43 readthrough; minus strand), RAB43 (RAB43, member RAS oncogene family; minus strand). Cytogenetic location: 3q21.3.
Variant type: single nucleotide variant.
Coding change: c.387C>T on transcript NM_198490.3 (MANE Select); coding-DNA position 387, C replaced by T.
Protein change: p.Ile129=; no amino-acid change (isoleucine 129 retained).
Molecular consequence: synonymous variant. On other transcripts: 3 prime UTR variant (2).
Genome position (GRCh38, 1-based): chr3:129,094,987, G>A on the plus strand (C>T on the coding strand, the complement: RAB43 is on the minus strand). VCF-style: chr3-129094987-G-A. GRCh37 (hg19) VCF-style: chr3-128813830-G-A.
Other names: c.*38C>T (NM_001204890.2); c.387C>T, p.Ile129= (NM_001204883.2, NM_001204884.2, NM_001204885.1 and 2 more transcripts); c.*46C>T (NM_001204888.2).
Identifiers: ClinVar variation 3032105 (VCV003032105.2), dbSNP rs754674607, ClinGen allele CA2602829.

ClinVar aggregate classification (germline): Likely benign (0 of 4 stars; one submission).

Conditions:
RAB43-related disorder. Also called: RAB43-related condition.

Allele frequency attached by ClinVar (database versions not stated): gnomAD 0.00003; ExAC 0.00005; TOPMed 0.00005.
gnomAD v4.1: 37 of 1,610,450 alleles (0.0023%); highest among the groups gnomAD compares: Admixed American, 0.023%; no homozygotes.

Submission:

PreventionGenetics, part of Exact Sciences
Classification: Likely benign for RAB43-related condition. Last evaluated: 2022-02-23. Review status: no assertion criteria provided. Collection method: clinical testing. Allele origin: germline.
Comment: This variant is classified as likely benign based on ACMG/AMP sequence variant interpretation guidelines (Richards et al. 2015 PMID: 25741868, with internal and published modifications).